The following is an entry in ClinVar:

ClinVar aggregate classification (germline): Uncertain significance. Review status: criteria provided, multiple submitters, no conflicts (2 of 4 stars). 2 submissions from 2 submitters: Uncertain significance (2). Last evaluated 2025-02-11.

Allele frequency attached by ClinVar (database versions not stated): ExAC 0.00003; TOPMed 0.00004; gnomAD 0.00005; gnomAD exomes 0.00008; 1000 Genomes Project 30x 0.00016; 1000 Genomes Project 0.00020.

Submissions (2):

Labcorp Genetics (formerly Invitae), Labcorp
Classification: Uncertain significance. Last evaluated: 2025-02-11. Review status: criteria provided, single submitter. Criteria: Invitae Variant Classification Sherloc (09022015). Collection method: clinical testing. Allele origin: germline.
Comment: This sequence change replaces proline, which is neutral and non-polar, with alanine, which is neutral and non-polar, at codon 357 of the LSR protein (p.Pro357Ala). This variant is present in population databases (rs368298403, gnomAD 0.03%). This variant has not been reported in the literature in individuals affected with LSR-related conditions. ClinVar contains an entry for this variant (Variation ID: 2069281). An algorithm developed to predict the effect of missense changes on protein structure and function (PolyPhen-2) suggests that this variant is likely to be tolerated. In summary, the available evidence is currently insufficient to determine the role of this variant in disease. Therefore, it has been classified as a Variant of Uncertain Significance.

Ambry Genetics
Classification: Uncertain significance. Last evaluated: 2024-10-03. Review status: criteria provided, single submitter. Criteria: Ambry Variant Classification Scheme 2023. Collection method: clinical testing. Allele origin: germline.

NM_205834.4(LSR):c.925C>G (p.Pro309Ala)

Gene: LSR (lipolysis stimulated lipoprotein receptor; plus strand). Cytogenetic location: 19q13.12.
Variant type: single nucleotide variant.
Coding change: c.925C>G on transcript NM_205834.4 (MANE Select); coding-DNA position 925, C replaced by G.
Protein change: p.Pro309Ala; replaces proline 309 with alanine.
Molecular consequence: missense variant.
Genome position (GRCh38, 1-based): chr19:35,266,505, C>G. VCF-style: chr19-35266505-C-G. GRCh37 (hg19) VCF-style: chr19-35757408-C-G.
Other names: c.1069C>G (NM_205834.2); c.868C>G, p.Pro290Ala (NM_001260489.2, NM_015925.7); c.601C>G, p.Pro201Ala (NM_001260490.2); c.721C>G, p.Pro241Ala (NM_001385215.1, NM_205835.4); short protein forms P241A, P201A, P309A, P290A.
Identifiers: ClinVar variation 2069281 (VCV002069281.5), dbSNP rs368298403, ClinGen allele CA9374882.
Genomic context (GRCh38, chr19:35,266,505, plus strand): 5'-CCACCCCCACCAGCTATGATTCCCATGGGCCCTGCCTACAACGGGTACCCTGGAGGATAC[C>G]CTGGAGACGTTGACAGGAGTAGCTCAGGTGAGGCCGGGGGAAGCAGGAACAGCTGGTGGG-3'
Protein context (NP_991403.2, residues 299-319): PAYNGYPGGY[Pro309Ala]GDVDRSSSAG